The following is an entry in ClinVar:

ClinVar aggregate classification (germline): Likely benign. Review status: criteria provided, multiple submitters, no conflicts (2 of 4 stars). 2 submissions from 2 submitters: Likely benign (2). Last evaluated 2025-10-01.

Conditions:
Combined immunodeficiency due to DOCK8 deficiency (HIES2). Also called: HIES autosomal recessive; HYPER-IgE RECURRENT INFECTION SYNDROME 2, AUTOSOMAL RECESSIVE; Hyper-IgE recurrent infection syndrome, autosomal recessive; HYPER-IgE SYNDROME 2, AUTOSOMAL RECESSIVE, WITH RECURRENT INFECTIONS; DOCK8 Deficiency. Identifiers: Orphanet 217390, MedGen C4722305, MONDO:0009478, OMIM 243700.

Allele frequency attached by ClinVar (database versions not stated): ExAC 0.00003; gnomAD exomes 0.00003; gnomAD 0.00020 and 0.00024; TOPMed 0.00022; ESP Exome Variant Server 0.00023.
gnomAD v4.1: 47 of 1,614,226 alleles (0.0029%); highest among the groups gnomAD compares: African/African-American, 0.061%; no homozygotes.

Submissions (2):

Labcorp Genetics (formerly Invitae), Labcorp
Classification: Likely benign for Combined immunodeficiency due to DOCK8 deficiency. Last evaluated: 2025-10-01. Review status: criteria provided, single submitter. Criteria: Invitae Variant Classification Sherloc (09022015). Collection method: clinical testing. Allele origin: germline.

Mayo Clinic Laboratories, Mayo Clinic
Classification: Likely benign. Last evaluated: 2025-03-19. Review status: criteria provided, single submitter. Criteria: ACMG Guidelines, 2015. Collection method: clinical testing. Allele origin: germline. Observed: 1 variant allele.
Comment: BP4, BP7

NM_203447.4(DOCK8):c.2511G>A (p.Leu837=)

Gene: DOCK8 (dedicator of cytokinesis 8; plus strand). Cytogenetic location: 9p24.3.
Variant type: single nucleotide variant.
Coding change: c.2511G>A on transcript NM_203447.4 (MANE Select); coding-DNA position 2511, G replaced by A.
Protein change: p.Leu837=; no amino-acid change (leucine 837 retained).
Molecular consequence: synonymous variant.
Genome position (GRCh38, 1-based): chr9:379,841, G>A. VCF-style: chr9-379841-G-A. GRCh37 (hg19) VCF-style: chr9-379841-G-A.
Other names: p.Leu837=; c.2307G>A, p.Leu769= (NM_001190458.2, NM_001193536.2).
Identifiers: ClinVar variation 536613 (VCV000536613.13), dbSNP rs140248537, ClinGen allele CA4958220.
Genomic context (GRCh38, chr9:379,841, plus strand): 5'-CCAGTTTGCCTTCGAGTCCGTGGTGGCCATCGCCAACAGTCTGCACAACAGCAAGGACCT[G>A]AGCAAGGACCAGCATGGGAGGAACTGCCTGCTGGCTTCCTACGTGCACTACGTCTTCCGC-3'
Protein context (NP_982272.2, residues 827-847): IANSLHNSKD[Leu837=]SKDQHGRNCL